The following is an entry in ClinVar:

ClinVar aggregate classification (germline): Uncertain significance. Review status: criteria provided, multiple submitters, no conflicts (2 of 4 stars). 3 submissions from 3 submitters: Uncertain significance (3). Last evaluated 2025-04-02.

Conditions:
Nephronophthisis. Also called: Juvenile Nephronophthisis. Identifiers: Orphanet 655, MedGen C0687120, MONDO:0019005, HP:0000090.
Inborn genetic diseases. Identifiers: MedGen C0950123, MeSH D030342.
Nephronophthisis 4 (NPHP4). Also called: NEPHRONOPHTHISIS 4, JUVENILE. Identifiers: Orphanet 655, MedGen C1847013, MONDO:0011752, OMIM 606966.
Senior-Loken syndrome 4 (SLSN4). Identifiers: Orphanet 3156, MedGen C1846979, MONDO:0011756, OMIM 606996.

Allele frequency attached by ClinVar (database versions not stated): gnomAD exomes below 0.00001; gnomAD 0.00003; TOPMed 0.00003; ExAC 0.00007.
gnomAD v4.1: 11 of 1,613,646 alleles (0.00068%); highest among the groups gnomAD compares: East Asian, 0.022%; no homozygotes.

Submissions (3):

Ambry Genetics
Classification: Uncertain significance for Inborn genetic diseases. Last evaluated: 2025-04-02. Review status: criteria provided, single submitter. Criteria: Ambry Variant Classification Scheme 2023. Collection method: clinical testing. Allele origin: germline.

Fulgent Genetics
Classification: Uncertain significance for Nephronophthisis 4; Senior-Loken syndrome 4. Last evaluated: 2024-02-13. Review status: criteria provided, single submitter. Criteria: ACMG Guidelines, 2015. Collection method: clinical testing. Allele origin: germline.

Labcorp Genetics (formerly Invitae), Labcorp
Classification: Uncertain significance for Nephronophthisis. Last evaluated: 2022-04-29. Review status: criteria provided, single submitter. Criteria: Invitae Variant Classification Sherloc (09022015). Collection method: clinical testing. Allele origin: germline.
Comment: This sequence change replaces leucine, which is neutral and non-polar, with isoleucine, which is neutral and non-polar, at codon 863 of the NPHP4 protein (p.Leu863Ile). This variant is present in population databases (rs767653776, gnomAD 0.05%). This variant has not been reported in the literature in individuals affected with NPHP4-related conditions. Algorithms developed to predict the effect of missense changes on protein structure and function are either unavailable or do not agree on the potential impact of this missense change (SIFT: "Tolerated"; PolyPhen-2: "Probably Damaging"; Align-GVGD: "Class C0"). In summary, the available evidence is currently insufficient to determine the role of this variant in disease. Therefore, it has been classified as a Variant of Uncertain Significance.

NM_015102.5(NPHP4):c.2587C>A (p.Leu863Ile)

Gene: NPHP4 (nephrocystin 4; minus strand). Cytogenetic location: 1p36.31.
Variant type: single nucleotide variant.
Coding change: c.2587C>A on transcript NM_015102.5 (MANE Select); coding-DNA position 2587, C replaced by A.
Protein change: p.Leu863Ile; replaces leucine 863 with isoleucine.
Molecular consequence: missense variant. On other transcripts: non-coding transcript variant (1).
Genome position (GRCh38, 1-based): chr1:5,880,138, G>T on the plus strand (C>A on the coding strand, the complement: NPHP4 is on the minus strand). VCF-style: chr1-5880138-G-T. GRCh37 (hg19) VCF-style: chr1-5940198-G-T.
Other names: c.2587C>A (NM_015102.3); c.1048C>A, p.Leu350Ile (NM_001291593.2); c.1051C>A, p.Leu351Ile (NM_001291594.2); short protein forms L350I, L863I, L351I.
Identifiers: ClinVar variation 2154835 (VCV002154835.3), dbSNP rs767653776, ClinGen allele CA554058.